The following is an entry in ClinVar:

ClinVar aggregate classification (germline): Likely benign (1 of 4 stars; one submission).

Allele frequency attached by ClinVar (database versions not stated): ExAC 0.00001; gnomAD 0.00001; gnomAD exomes 0.00001; TOPMed 0.00001.
gnomAD v4.1: 9 of 1,614,010 alleles (0.00056%); highest among the groups gnomAD compares: African/African-American, 0.0013%; no homozygotes.

Submission:

Laboratory for Molecular Medicine, Mass General Brigham Personalized Medicine
Classification: Likely benign. Last evaluated: 2015-10-26. Review status: criteria provided, single submitter. Criteria: LMM Criteria. Collection method: clinical testing. Allele origin: germline. Observed: 1 variant allele.
Comment: p.Arg41Arg in exon 3 of GPSM2: This variant is not expected to have clinical sig nificance because it does not alter an amino acid residue and is not located wit hin the splice consensus sequence. It has been identified in 1/66740 European ch romosomes by the Exome Aggregation Consortium (ExAC. org; dbSNP rs753005800).

NM_013296.5(GPSM2):c.123C>T (p.Arg41=)

Gene: GPSM2 (G protein signaling modulator 2; plus strand). Cytogenetic location: 1p13.3.
Variant type: single nucleotide variant.
Coding change: c.123C>T on transcript NM_013296.5 (MANE Select); coding-DNA position 123, C replaced by T.
Protein change: p.Arg41=; no amino-acid change (arginine 41 retained).
Molecular consequence: synonymous variant.
Genome position (GRCh38, 1-based): chr1:108,896,930, C>T. VCF-style: chr1-108896930-C-T. GRCh37 (hg19) VCF-style: chr1-109439552-C-T.
Other names: c.123C>T, p.Arg41= (NM_001321038.2, NM_001321039.3).
Identifiers: ClinVar variation 227414 (VCV000227414.4), dbSNP rs753005800, ClinGen allele CA982731.